The following is an entry in ClinVar:

ClinVar aggregate classification (germline): Uncertain significance. Review status: criteria provided, multiple submitters, no conflicts (2 of 4 stars). 2 submissions from 2 submitters: Uncertain significance (2). Last evaluated 2025-06-12.

Conditions:
CC2D2A-related disorder. Also called: CC2D2A-related disorders; CC2D2A-related condition. Identifiers: MedGen CN239313.
Joubert syndrome. Also called: JOUBERT-BOLTSHAUSER SYNDROME; Familial aplasia of the vermis. Identifiers: Orphanet 475, MedGen C5979921, MONDO:0018772.
Meckel-Gruber syndrome. Also called: DYSENCEPHALIA SPLANCHNOCYSTICA; GRUBER SYNDROME; Dysencephalia splachnocystica. Identifiers: Orphanet 564, MedGen C0265215, MONDO:0018921.

Allele frequency attached by ClinVar (database versions not stated): gnomAD exomes 0.00003 and 0.00009; ExAC 0.00004; gnomAD 0.00004; TOPMed 0.00005; ESP Exome Variant Server 0.00017.
gnomAD v4.1: 131 of 1,610,312 alleles (0.0081%); highest among the groups gnomAD compares: Non-Finnish European, 0.011%; no homozygotes.

Submissions (2):

PreventionGenetics, part of Exact Sciences
Classification: Uncertain significance for CC2D2A-related condition. Last evaluated: 2025-06-12. Review status: criteria provided, single submitter. Criteria: ACMG Guidelines, 2015. Collection method: clinical testing. Allele origin: germline.
Comment: The CC2D2A c.4766C>G variant is predicted to result in the amino acid substitution p.Pro1589Arg. This variant was reported in an individual with congenital heart disease (Table S11, Alankarage et al. 2019. PubMed ID: 30293987). This variant is reported in 0.0072% of alleles in individuals of European (Non-Finnish) descent in gnomAD and is interpreted as uncertain in ClinVar. At this time, the clinical significance of this variant is uncertain due to the absence of conclusive functional and genetic evidence.

Labcorp Genetics (formerly Invitae), Labcorp
Classification: Uncertain significance for Joubert syndrome; Meckel-Gruber syndrome. Last evaluated: 2024-01-19. Review status: criteria provided, single submitter. Criteria: Invitae Variant Classification Sherloc (09022015). Collection method: clinical testing. Allele origin: germline.
Comment: This sequence change replaces proline, which is neutral and non-polar, with arginine, which is basic and polar, at codon 1589 of the CC2D2A protein (p.Pro1589Arg). This variant is present in population databases (rs374301736, gnomAD 0.006%). This variant has not been reported in the literature in individuals affected with CC2D2A-related conditions. ClinVar contains an entry for this variant (Variation ID: 1520502). Advanced modeling of protein sequence and biophysical properties (such as structural, functional, and spatial information, amino acid conservation, physicochemical variation, residue mobility, and thermodynamic stability) performed at Invitae indicates that this missense variant is expected to disrupt CC2D2A protein function with a positive predictive value of 95%. In summary, the available evidence is currently insufficient to determine the role of this variant in disease. Therefore, it has been classified as a Variant of Uncertain Significance.

NM_001378615.1(CC2D2A):c.4766C>G (p.Pro1589Arg)

Genes: CC2D2A (coiled-coil and C2 domain containing 2A; plus strand), FBXL5 (F-box and leucine rich repeat protein 5; minus strand). Cytogenetic location: 4p15.32.
Variant type: single nucleotide variant.
Coding change: c.4766C>G on transcript NM_001378615.1 (MANE Select); coding-DNA position 4766, C replaced by G.
Protein change: p.Pro1589Arg; replaces proline 1589 with arginine.
Molecular consequence: missense variant.
Genome position (GRCh38, 1-based): chr4:15,601,328, C>G. VCF-style: chr4-15601328-C-G. GRCh37 (hg19) VCF-style: chr4-15602951-C-G.
Other names: c.4766C>G, p.Pro1589Arg (NM_001080522.2); c.4619C>G, p.Pro1540Arg (NM_001378617.1); short protein forms P1540R, P1589R.
Identifiers: ClinVar variation 1520502 (VCV001520502.7), dbSNP rs374301736, ClinGen allele CA2864477.